The following is an entry in ClinVar:

ClinVar aggregate classification (germline): Conflicting classifications of pathogenicity. Review status: criteria provided, conflicting classifications (1 of 4 stars). 4 submissions from 4 submitters: Uncertain significance (1); Benign (1); Likely benign (2). Last evaluated 2025-06-22.

Conditions:
Hereditary cancer-predisposing syndrome. Also called: Neoplastic Syndromes, Hereditary; Hereditary neoplastic syndrome; Hereditary Cancer Syndrome; Tumor predisposition. Identifiers: Orphanet 140162, MedGen C0027672, MeSH D009386, MONDO:0015356.
Familial cancer of breast. Also called: hereditary breast carcinoma; Hereditary breast cancer; BREAST CANCER, FAMILIAL. Identifiers: Orphanet 227535, MedGen C0346153, MONDO:0016419, OMIM 114480. Disease mechanism: loss of function.
Ataxia-telangiectasia syndrome (AT). Also called: Ataxia-telangiectasia, complementation group D; AT, COMPLEMENTATION GROUP C; ATAXIA-TELANGIECTASIA, FRESNO VARIANT; ATAXIA-TELANGIECTASIA, COMPLEMENTATION GROUP A; Ataxia-telangiectasia, complementation group E; Ataxia telangiectasia (A-T). Identifiers: Orphanet 100, MedGen C0004135, MONDO:0008840, OMIM 208900.

Allele frequency attached by ClinVar (database versions not stated): TOPMed below 0.00001.

Submissions (4):

Labcorp Genetics (formerly Invitae), Labcorp
Classification: Likely benign for Ataxia-telangiectasia syndrome. Last evaluated: 2025-06-22. Review status: criteria provided, single submitter. Criteria: Invitae Variant Classification Sherloc (09022015). Collection method: clinical testing. Allele origin: germline.

Myriad Genetics, Inc.
Classification: Benign for Familial cancer of breast. Last evaluated: 2024-04-19. Review status: criteria provided, single submitter. Criteria: Myriad Autosomal Dominant, Autosomal Recessive and X-Linked Classification Criteria (2023). Collection method: clinical testing. Allele origin: unknown.
Comment: This variant is considered benign. This variant is a silent/synonymous amino acid change and it is not expected to impact splicing.

Athena Diagnostics
Classification: Uncertain significance. Last evaluated: 2020-08-11. Review status: criteria provided, single submitter. Criteria: Athena Diagnostics Criteria. Collection method: clinical testing. Allele origin: unknown.

Ambry Genetics
Classification: Likely benign for Hereditary cancer-predisposing syndrome. Last evaluated: 2015-12-23. Review status: criteria provided, single submitter. Criteria: Ambry Variant Classification Scheme 2023. Collection method: clinical testing. Allele origin: germline.

NM_000051.4(ATM):c.354A>G (p.Gln118=)

Gene: ATM (ATM serine/threonine kinase; plus strand). Cytogenetic location: 11q22.3.
Variant type: single nucleotide variant.
Coding change: c.354A>G on transcript NM_000051.4 (MANE Select); coding-DNA position 354, A replaced by G.
Protein change: p.Gln118=; no amino-acid change (glutamine 118 retained).
Molecular consequence: synonymous variant.
Genome position (GRCh38, 1-based): chr11:108,235,692, A>G. VCF-style: chr11-108235692-A-G. GRCh37 (hg19) VCF-style: chr11-108106419-A-G.
Other names: c.354A>G, p.Gln118= (NM_001351834.2).
Identifiers: ClinVar variation 994513 (VCV000994513.12), dbSNP rs1188306380, ClinGen allele CA476670351.